The following is an entry in ClinVar:

NM_001267550.2(TTN):c.105897G>C (p.Glu35299Asp)

Genes: TTN (titin; minus strand), TTN-AS1 (TTN antisense RNA 1; plus strand), LOC129935183 (ATAC-STARR-seq lymphoblastoid active region 16808; plus strand). Cytogenetic location: 2q31.2.
Variant type: single nucleotide variant.
Coding change: c.105897G>C on transcript NM_001267550.2 (MANE Select); coding-DNA position 105897, G replaced by C.
Protein change: p.Glu35299Asp; replaces glutamic acid 35299 with aspartic acid.
Molecular consequence: missense variant.
Genome position (GRCh38, 1-based): chr2:178,530,718, C>G on the plus strand (G>C on the coding strand, the complement: TTN is on the minus strand). VCF-style: chr2-178530718-C-G. GRCh37 (hg19) VCF-style: chr2-179395445-C-G.
Other names: c.100974G>C, p.Glu33658Asp (NM_001256850.1); c.78702G>C, p.Glu26234Asp (NM_003319.4); c.98193G>C, p.Glu32731Asp (NM_133378.4); c.79077G>C, p.Glu26359Asp (NM_133432.3); c.79278G>C, p.Glu26426Asp (NM_133437.4); short protein forms E35299D, E32731D, E26359D, E26426D, E26234D, E33658D.
Identifiers: ClinVar variation 332684 (VCV000332684.10), dbSNP rs886055219, ClinGen allele CA10612002.

ClinVar aggregate classification (germline): Conflicting classifications of pathogenicity. Review status: criteria provided, conflicting classifications (1 of 4 stars). 7 submissions from 3 submitters: Uncertain significance (6); Likely benign (1). Last evaluated 2023-04-19.

Conditions:
Dilated cardiomyopathy 1G (CMD1G). Identifiers: Orphanet 154, MedGen C1858763, MONDO:0011400, OMIM 604145.
Autosomal recessive limb-girdle muscular dystrophy type 2J (LGMDR10). Also called: MUSCULAR DYSTROPHY, LIMB-GIRDLE, AUTOSOMAL RECESSIVE 10; Limb-girdle muscular dystrophy, type 2J. Identifiers: Orphanet 140922, MedGen C1837342, MONDO:0012127, OMIM 608807.
Cardiomyopathy (CMYO). Also called: Cardiomyopathies. Identifiers: Orphanet 167848, MedGen C0878544, MONDO:0004994, HP:0001638. Inheritance: Various modes of inheritance.
Early-onset myopathy with fatal cardiomyopathy (CMYO5). Also called: CONGENITAL MYOPATHY 5 WITH CARDIOMYOPATHY; Salih Myopathy. Identifiers: Orphanet 289377, MedGen C2673677, MONDO:0012714, OMIM 611705. Disease mechanism: loss of function.
Myopathy, myofibrillar, 9, with early respiratory failure (MFM9). Also called: Myopathy, distal, with early respiratory failure, autosomal dominant; Hereditary myopathy with early respiratory failure; EDSTROM MYOPATHY; MYOPATHY, PROXIMAL, WITH EARLY RESPIRATORY MUSCLE INVOLVEMENT. Identifiers: Orphanet 178464, Orphanet 34521, MedGen C1863599, MONDO:0011362, OMIM 603689.
Tibial muscular dystrophy (TMD). Also called: Udd Distal Myopathy – Tibial Muscular Dystrophy; UDD MYOPATHY; Tibial muscular dystrophy, tardive. Identifiers: Orphanet 609, MedGen C1838244, MONDO:0010870, OMIM 600334.

gnomAD v4.1: 12 of 1,613,938 alleles (0.00074%); highest among the groups gnomAD compares: Non-Finnish European, 0.001%; no homozygotes.

Submissions (7):

CHEO Genetics Diagnostic Laboratory, Children's Hospital of Eastern Ontario
Classification: Likely benign for Cardiomyopathy. Last evaluated: 2023-04-19. Review status: criteria provided, single submitter. Criteria: ACMG Guidelines, 2015. Collection method: clinical testing. Allele origin: germline.

Labcorp Genetics (formerly Invitae), Labcorp
Classification: Uncertain significance for Dilated cardiomyopathy 1G; Autosomal recessive limb-girdle muscular dystrophy type 2J. Last evaluated: 2022-10-07. Review status: criteria provided, single submitter. Criteria: Invitae Variant Classification Sherloc (09022015). Collection method: clinical testing. Allele origin: germline.
Comment: In summary, the available evidence is currently insufficient to determine the role of this variant in disease. Therefore, it has been classified as a Variant of Uncertain Significance. Algorithms developed to predict the effect of missense changes on protein structure and function output the following: SIFT: "Not Available"; PolyPhen-2: "Not Available"; Align-GVGD: "Not Available". The aspartic acid amino acid residue is found in multiple mammalian species, which suggests that this missense change does not adversely affect protein function. ClinVar contains an entry for this variant (Variation ID: 332684). This variant has not been reported in the literature in individuals affected with TTN-related conditions. This variant is not present in population databases (gnomAD no frequency). This sequence change replaces glutamic acid, which is acidic and polar, with aspartic acid, which is acidic and polar, at codon 35299 of the TTN protein (p.Glu35299Asp).

Illumina Laboratory Services, Illumina
Classification: Uncertain significance for Dilated cardiomyopathy 1G. Last evaluated: 2018-01-13. Review status: criteria provided, single submitter. Criteria: ICSL Variant Classification Criteria 13 December 2019. Collection method: clinical testing. Allele origin: germline.

Illumina Laboratory Services, Illumina
Classification: Uncertain significance for Myopathy, myofibrillar, 9, with early respiratory failure. Last evaluated: 2018-01-13. Review status: criteria provided, single submitter. Criteria: ICSL Variant Classification Criteria 13 December 2019. Collection method: clinical testing. Allele origin: germline.

Illumina Laboratory Services, Illumina
Classification: Uncertain significance for Autosomal recessive limb-girdle muscular dystrophy type 2J. Last evaluated: 2018-01-13. Review status: criteria provided, single submitter. Criteria: ICSL Variant Classification Criteria 13 December 2019. Collection method: clinical testing. Allele origin: germline.

Illumina Laboratory Services, Illumina
Classification: Uncertain significance for Early-onset myopathy with fatal cardiomyopathy. Last evaluated: 2018-01-13. Review status: criteria provided, single submitter. Criteria: ICSL Variant Classification Criteria 13 December 2019. Collection method: clinical testing. Allele origin: germline.

Illumina Laboratory Services, Illumina
Classification: Uncertain significance for Tibial muscular dystrophy. Last evaluated: 2018-01-13. Review status: criteria provided, single submitter. Criteria: ICSL Variant Classification Criteria 13 December 2019. Collection method: clinical testing. Allele origin: germline.